The following is an entry in ClinVar:

ClinVar aggregate classification (germline): Uncertain significance (1 of 4 stars; one submission).

gnomAD v4.1: 2 of 1,605,020 alleles (0.00012%); highest among the groups gnomAD compares: Non-Finnish European, 0.00017%; no homozygotes.

Submission:

Labcorp Genetics (formerly Invitae), Labcorp
Classification: Uncertain significance. Last evaluated: 2024-04-02. Review status: criteria provided, single submitter. Criteria: Invitae Variant Classification Sherloc (09022015). Collection method: clinical testing. Allele origin: germline.
Comment: This sequence change replaces alanine, which is neutral and non-polar, with proline, which is neutral and non-polar, at codon 670 of the TMPRSS6 protein (p.Ala670Pro). This variant is present in population databases (rs780043964, gnomAD 0.001%). This missense change has been observed in individual(s) with iron-refactory iron deficiency anemia (Invitae). Advanced modeling of protein sequence and biophysical properties (such as structural, functional, and spatial information, amino acid conservation, physicochemical variation, residue mobility, and thermodynamic stability) performed at Invitae indicates that this missense variant is expected to disrupt TMPRSS6 protein function with a positive predictive value of 80%. This variant disrupts the p.Ala670 amino acid residue in TMPRSS6. Other variant(s) that disrupt this residue have been observed in individuals with TMPRSS6-related conditions (PMID: 28460265; Invitae), which suggests that this may be a clinically significant amino acid residue. In summary, the available evidence is currently insufficient to determine the role of this variant in disease. Therefore, it has been classified as a Variant of Uncertain Significance.

Literature cited by the submitters: PubMed 28460265.

NM_001374504.1(TMPRSS6):c.1981G>C (p.Ala661Pro)

Gene: TMPRSS6 (transmembrane serine protease 6; minus strand). Cytogenetic location: 22q12.3.
Variant type: single nucleotide variant.
Coding change: c.1981G>C on transcript NM_001374504.1 (MANE Select); coding-DNA position 1981, G replaced by C.
Protein change: p.Ala661Pro; replaces alanine 661 with proline.
Molecular consequence: missense variant.
Genome position (GRCh38, 1-based): chr22:37,069,205, C>G on the plus strand (G>C on the coding strand, the complement: TMPRSS6 is on the minus strand). VCF-style: chr22-37069205-C-G. GRCh37 (hg19) VCF-style: chr22-37465245-C-G.
Other names: c.1981G>C, p.Ala661Pro (NM_001289000.2, NM_001289001.2, NM_153609.4); short protein forms A661P.
Identifiers: ClinVar variation 3694039 (VCV003694039.2).
Genomic context (GRCh38, chr22:37,069,205, plus strand): 5'-GCAGGCAGACGGGGCGCACGGCGGCCGAGCGCACCACCGGGTGGTCGAGCTGCAGCAGCG[C>G]CACGTCGTAGTCATGGCTGTCCTCTTCGTGGTACGGGTGCAGGAGCAGGCGGCTCACCTT-3'
Protein context (NP_001361433.1, residues 651-671): HEEDSHDYDV[Ala661Pro]LLQLDHPVVR